The following is an entry in ClinVar:

NM_021098.3(CACNA1H):c.2254C>G (p.Pro752Ala)

Gene: CACNA1H (calcium voltage-gated channel subunit alpha1 H; plus strand). Cytogenetic location: 16p13.3.
Variant type: single nucleotide variant.
Coding change: c.2254C>G on transcript NM_021098.3 (MANE Select); coding-DNA position 2254, C replaced by G.
Protein change: p.Pro752Ala; replaces proline 752 with alanine.
Molecular consequence: missense variant.
Genome position (GRCh38, 1-based): chr16:1,204,261, C>G. VCF-style: chr16-1204261-C-G. GRCh37 (hg19) VCF-style: chr16-1254261-C-G.
Other names: c.2254C>G, p.Pro752Ala (NM_001005407.2); short protein forms P752A.
Identifiers: ClinVar variation 2927222 (VCV002927222.3), dbSNP rs2141280097, ClinGen allele CA394166055.

ClinVar aggregate classification (germline): Uncertain significance (1 of 4 stars; one submission).

Conditions:
Idiopathic generalized epilepsy. Also called: Generalised epilepsy; EIG. Identifiers: MedGen C0270850, MONDO:0005579, OMIM 600669.
Hyperaldosteronism, familial, type IV (HALD4). Also called: FH IV; ALDOSTERONISM, PRIMARY, AND HYPERTENSION. Identifiers: Orphanet 642671, MedGen C4310756, MONDO:0014875, OMIM 617027.

gnomAD v4.1: 3 of 1,608,394 alleles (0.00019%); highest among the groups gnomAD compares: Non-Finnish European, 0.00025%; no homozygotes.

Submission:

Labcorp Genetics (formerly Invitae), Labcorp
Classification: Uncertain significance for Idiopathic generalized epilepsy; Hyperaldosteronism, familial, type IV. Last evaluated: 2023-11-27. Review status: criteria provided, single submitter. Criteria: Invitae Variant Classification Sherloc (09022015). Collection method: clinical testing. Allele origin: germline.
Comment: This sequence change replaces proline, which is neutral and non-polar, with alanine, which is neutral and non-polar, at codon 752 of the CACNA1H protein (p.Pro752Ala). This variant is not present in population databases (gnomAD no frequency). This variant has not been reported in the literature in individuals affected with CACNA1H-related conditions. Advanced modeling of protein sequence and biophysical properties (such as structural, functional, and spatial information, amino acid conservation, physicochemical variation, residue mobility, and thermodynamic stability) performed at Invitae indicates that this missense variant is not expected to disrupt CACNA1H protein function with a negative predictive value of 95%. In summary, the available evidence is currently insufficient to determine the role of this variant in disease. Therefore, it has been classified as a Variant of Uncertain Significance.